The following is an entry in ClinVar:

ClinVar aggregate classification (germline): Uncertain significance (1 of 4 stars; one submission).

Conditions:
Neuropathy, hereditary sensory and autonomic, type 1C. Also called: HSAN IC; HSN IC. Identifiers: Orphanet 36386, MedGen C3150896, MONDO:0013337, OMIM 613640.

Submission:

Labcorp Genetics (formerly Invitae), Labcorp
Classification: Uncertain significance for Neuropathy, hereditary sensory and autonomic, type 1C. Last evaluated: 2021-09-20. Review status: criteria provided, single submitter. Criteria: Invitae Variant Classification Sherloc (09022015). Collection method: clinical testing. Allele origin: germline.
Comment: In summary, the available evidence is currently insufficient to determine the role of this variant in disease. Therefore, it has been classified as a Variant of Uncertain Significance. Experimental studies and prediction algorithms are not available or were not evaluated, and the functional significance of this variant is currently unknown. A similar copy number variant has been observed in individual(s) with clinical features of SPTLC2-related conditions (Invitae). This variant is a gross deletion of the genomic region encompassing exon(s) 11-12 of the SPTLC2 gene, which includes the termination codon. This deletion extends beyond the assayed region for this gene and therefore may encompass additional genes. While this deletion is not anticipated to lead to nonsense mediated decay, it is expected to alter mRNA translation or result in a truncated protein product.

NC_000014.8:g.(?_77978627)_(77984530_?)del

Gene: SPTLC2 (serine palmitoyltransferase long chain base subunit 2; minus strand). Cytogenetic location: 14q24.3.
Variant type: Deletion.
Identifiers: ClinVar variation 1440331 (VCV001440331.4).